The following is an entry in ClinVar:

NM_001184880.2(PCDH19):c.386T>C (p.Phe129Ser)

Gene: PCDH19 (protocadherin 19; minus strand). Cytogenetic location: Xq22.1.
Variant type: single nucleotide variant.
Coding change: c.386T>C on transcript NM_001184880.2 (MANE Select); coding-DNA position 386, T replaced by C.
Protein change: p.Phe129Ser; replaces phenylalanine 129 with serine.
Molecular consequence: missense variant.
Genome position (GRCh38, 1-based): chrX:100,408,212, A>G on the plus strand (T>C on the coding strand, the complement: PCDH19 is on the minus strand). VCF-style: chrX-100408212-A-G. GRCh37 (hg19) VCF-style: chrX-99663210-A-G.
Other names: c.386T>C, p.Phe129Ser (NM_001105243.2, NM_020766.3); short protein forms F129S.
Identifiers: ClinVar variation 654172 (VCV000654172.9), dbSNP rs1602638047, ClinGen allele CA414010141.
Genomic context (GRCh38, chrX:100,408,212, plus strand): 5'-GGGATGCGCGTGCCAGGGCTGGCTGCCTCCGAGATCTCCAGCTCGATCTGTGCTGCCGGG[A>G]AACTGGGCGCATTGTCGTTCAGGTCCTTGATCTCCACCTTTATCACGCAGATTTCCATTG-3'
Protein context (NP_001171809.1, residues 119-139): IKDLNDNAPS[Phe129Ser]PAAQIELEIS

ClinVar aggregate classification (germline): Uncertain significance (1 of 4 stars; one submission).

Conditions:
Developmental and epileptic encephalopathy, 9 (DEE9). Also called: Early infantile epileptic encephalopathy 9; EPILEPSY, FEMALE-RESTRICTED, WITH MENTAL RETARDATION; JUBERG-HELLMAN SYNDROME; PCDH19-Related X-Linked Female-Limited Epilepsy with Mental Retardation. Identifiers: Orphanet 101039, Orphanet 2076, MedGen C1848137, MONDO:0010246, OMIM 300088. Disease mechanism: loss of function.

Submission:

Labcorp Genetics (formerly Invitae), Labcorp
Classification: Uncertain significance for Developmental and epileptic encephalopathy, 9. Last evaluated: 2018-07-12. Review status: criteria provided, single submitter. Criteria: Invitae Variant Classification Sherloc (09022015). Collection method: clinical testing. Allele origin: germline.
Comment: In summary, the available evidence is currently insufficient to determine the role of this variant in disease. Therefore, it has been classified as a Variant of Uncertain Significance. Algorithms developed to predict the effect of missense changes on protein structure and function are either unavailable or do not agree on the potential impact of this missense change (SIFT: "Deleterious"; PolyPhen-2: "Probably Damaging"; Align-GVGD: "Class C0"). This variant has not been reported in the literature in individuals with PCDH19-related disease. This variant is not present in population databases (ExAC no frequency). This sequence change replaces phenylalanine with serine at codon 129 of the PCDH19 protein (p.Phe129Ser). The phenylalanine residue is highly conserved and there is a large physicochemical difference between phenylalanine and serine.